The following is an entry in ClinVar:

NM_000023.4(SGCA):c.312+6G>A

Gene: SGCA (sarcoglycan alpha; plus strand). Cytogenetic location: 17q21.33.
Variant type: single nucleotide variant.
Coding change: c.312+6G>A on transcript NM_000023.4 (MANE Select); 6 bases into the intron after coding-DNA position 312, G replaced by A.
Molecular consequence: intron variant.
Genome position (GRCh38, 1-based): chr17:50,167,742, G>A. VCF-style: chr17-50167742-G-A. GRCh37 (hg19) VCF-style: chr17-48245103-G-A.
Other names: c.312+6G>A (NM_001135697.3).
Identifiers: ClinVar variation 500172 (VCV000500172.13), dbSNP rs371433770, ClinGen allele CA8643749.
Genomic context (GRCh38, chr17:50,167,742, plus strand): 5'-TGGCTTCCTCTACGGCTCTGCCACCCCAGAAGATCGTGGGCTCCAGGTCATTGAGGTGCC[G>A]TCAGGGACCCTGAGAAAATCACAGGGGTGGGCCAGAGTGGCCTCCTAGGAGCAGCCCTAT-3'

ClinVar aggregate classification (germline): Uncertain significance. Review status: criteria provided, multiple submitters, no conflicts (2 of 4 stars). 4 submissions from 4 submitters: Uncertain significance (3). 1 of the submissions does not count toward it. Last evaluated 2023-12-06.

Conditions:
Autosomal recessive limb-girdle muscular dystrophy type 2D (LGMDR3). Also called: MUSCULAR DYSTROPHY, LIMB-GIRDLE, AUTOSOMAL RECESSIVE 3; ADHALINOPATHY, PRIMARY; DUCHENNE-LIKE AUTOSOMAL RECESSIVE MUSCULAR DYSTROPHY, TYPE 2. Identifiers: Orphanet 62, MedGen C2936332, MONDO:0011968, OMIM 608099. Disease mechanism: Affects gamma-sarcoglycan and also disrupts the integrity of the entire sarcoglycan complex..

Allele frequency attached by ClinVar (database versions not stated): gnomAD 0.00006 and 0.00007; TOPMed 0.00007; ESP Exome Variant Server 0.00015.
gnomAD v4.1: 46 of 1,605,522 alleles (0.0029%); highest among the groups gnomAD compares: African/African-American, 0.0067%; no homozygotes.

Submissions (4):

Labcorp Genetics (formerly Invitae), Labcorp
Classification: Uncertain significance for Autosomal recessive limb-girdle muscular dystrophy type 2D. Last evaluated: 2023-12-06. Review status: criteria provided, single submitter. Criteria: Invitae Variant Classification Sherloc (09022015). Collection method: clinical testing. Allele origin: germline.
Comment: This sequence change falls in intron 3 of the SGCA gene. It does not directly change the encoded amino acid sequence of the SGCA protein. It affects a nucleotide within the consensus splice site. This variant is present in population databases (rs371433770, gnomAD 0.01%). This variant has not been reported in the literature in individuals affected with SGCA-related conditions. ClinVar contains an entry for this variant (Variation ID: 500172). Variants that disrupt the consensus splice site are a relatively common cause of aberrant splicing (PMID: 17576681, 9536098). Algorithms developed to predict the effect of sequence changes on RNA splicing suggest that this variant is not likely to affect RNA splicing. In summary, the available evidence is currently insufficient to determine the role of this variant in disease. Therefore, it has been classified as a Variant of Uncertain Significance.

Genome-Nilou Lab
Classification: Uncertain significance for Autosomal recessive limb-girdle muscular dystrophy type 2D. Last evaluated: 2023-02-08. Review status: criteria provided, single submitter. Criteria: ACMG Guidelines, 2015. Collection method: clinical testing. Allele origin: germline.

Eurofins Ntd Llc (ga)
Classification: Uncertain significance. Last evaluated: 2017-01-30. Review status: criteria provided, single submitter. Criteria: EGL Classification Definitions 2015. Collection method: clinical testing. Allele origin: germline. Observed: 1 variant allele, 1 heterozygote.

Natera, Inc.
Classification: Uncertain significance for Limb-girdle muscular dystrophy type 2D. Last evaluated: 2019-11-11. Review status: no assertion criteria provided. Collection method: clinical testing. Allele origin: germline. Not counted in ClinVar's aggregate classification.

Literature cited by the submitters: PubMed 17576681 (cited by Labcorp Genetics (formerly Invitae), Labcorp); PubMed 9536098 (cited by Labcorp Genetics (formerly Invitae), Labcorp).